The following is an entry in ClinVar:

NM_001367624.2(ZNF469):c.11757A>G (p.Pro3919=)

Gene: ZNF469 (zinc finger protein 469; plus strand). Cytogenetic location: 16q24.2.
Variant type: single nucleotide variant.
Coding change: c.11757A>G on transcript NM_001367624.2 (MANE Select); coding-DNA position 11757, A replaced by G.
Protein change: p.Pro3919=; no amino-acid change (proline 3919 retained).
Molecular consequence: synonymous variant.
Genome position (GRCh38, 1-based): chr16:88,439,227, A>G. VCF-style: chr16-88439227-A-G. GRCh37 (hg19) VCF-style: chr16-88505635-A-G.
Other names: NM_001127464.1:c.11673A>G; p.Pro3919=.
Identifiers: ClinVar variation 321031 (VCV000321031.23), dbSNP rs4782301, ClinGen allele CA8225639.

ClinVar aggregate classification (germline): Benign. Review status: criteria provided, multiple submitters, no conflicts (2 of 4 stars). 11 submissions from 11 submitters: Benign (8). 3 of the submissions do not count toward it. Last evaluated 2026-02-04.

Conditions:
Brittle cornea syndrome 1 (BCS1). Also called: DYSGENESIS MESODERMALIS CORNEAE ET SCLERAE; CORNEAL FRAGILITY, KERATOGLOBUS, BLUE SCLERAE, JOINT HYPEREXTENSIBILITY; EDS6B; FRAGILITAS OCULI WITH JOINT HYPEREXTENSIBILITY; Corneal fragility keratoglobus, blue sclerae AND joint hypermobility. Identifiers: Orphanet 90354, MedGen C0268344, MONDO:0024543, OMIM 229200.
Cardiovascular phenotype. Identifiers: MedGen CN230736.

Allele frequency attached by ClinVar (database versions not stated): ESP Exome Variant Server 0.77566; gnomAD 0.77860 and 0.77967; gnomAD exomes 0.78548; TOPMed 0.78846; ExAC 0.78855; 1000 Genomes Project 0.79633; 1000 Genomes Project 30x 0.79716.
gnomAD v4.1: 1,193,842 of 1,550,378 alleles (77%); highest among the groups gnomAD compares: Admixed American, 86%; 460,340 homozygotes.

Submissions (11):

Labcorp Genetics (formerly Invitae), Labcorp
Classification: Benign. Last evaluated: 2026-02-04. Review status: criteria provided, single submitter. Criteria: Invitae Variant Classification Sherloc (09022015). Collection method: clinical testing. Allele origin: germline.

Women's Health and Genetics/Laboratory Corporation of America, LabCorp
Classification: Benign. Last evaluated: 2025-10-13. Review status: criteria provided, single submitter. Criteria: LabCorp Variant Classification Summary - May 2015. Collection method: clinical testing. Allele origin: germline.

Blueprint Genetics
Classification: Benign. Last evaluated: 2024-11-27. Review status: criteria provided, single submitter. Criteria: ACMG Guidelines, 2015. Collection method: clinical testing. Allele origin: germline.

Mayo Clinic Laboratories, Mayo Clinic
Classification: Benign. Last evaluated: 2022-04-26. Review status: criteria provided, single submitter. Criteria: ACMG Guidelines, 2015. Collection method: clinical testing. Allele origin: germline. Observed: 2,931 variant alleles.

Genome-Nilou Lab
Classification: Benign for Brittle cornea syndrome 1. Last evaluated: 2021-12-05. Review status: criteria provided, single submitter. Criteria: ACMG Guidelines, 2015. Collection method: clinical testing. Allele origin: germline. Affected: no.

Ambry Genetics
Classification: Benign for Cardiovascular phenotype. Last evaluated: 2018-12-04. Review status: criteria provided, single submitter. Criteria: Ambry Variant Classification Scheme 2023. Collection method: clinical testing. Allele origin: germline.

GeneDx
Classification: Benign. Last evaluated: 2016-09-29. Review status: criteria provided, single submitter. Criteria: GeneDx Variant Classification (06012015). Collection method: clinical testing. Allele origin: germline. Affected: yes.
Comment: This variant is considered likely benign or benign based on one or more of the following criteria: it is a conservative change, it occurs at a poorly conserved position in the protein, it is predicted to be benign by multiple in silico algorithms, and/or has population frequency not consistent with disease.

Breakthrough Genomics
Classification: Benign. Review status: criteria provided, single submitter. Criteria: ACMG Guidelines, 2015. Collection method: not provided. Allele origin: germline. Inheritance: Autosomal recessive inheritance. Affected: yes.

Genome Diagnostics Laboratory, Amsterdam University Medical Center
Classification: Benign for Brittle cornea syndrome 1. Last evaluated: 2016-01-15. Review status: no assertion criteria provided. Criteria: ACGS Guidelines, 2013. Collection method: clinical testing. Allele origin: germline. Affected: yes. Study: VKGL Data-share Consensus. Not counted in ClinVar's aggregate classification.

Diagnostic Laboratory, Department of Genetics, University Medical Center Groningen
Classification: Benign for Brittle cornea syndrome 1. Review status: no assertion criteria provided. Collection method: clinical testing. Allele origin: germline. Affected: yes. Study: VKGL Data-share Consensus. Not counted in ClinVar's aggregate classification.

Joint Genome Diagnostic Labs from Nijmegen and Maastricht, Radboudumc and MUMC+
Classification: Benign. Review status: no assertion criteria provided. Collection method: clinical testing. Allele origin: germline. Affected: yes. Study: VKGL Data-share Consensus. Not counted in ClinVar's aggregate classification.